The following is an entry in ClinVar:

ClinVar aggregate classification (germline): Pathogenic/Likely pathogenic. Review status: criteria provided, multiple submitters, no conflicts (2 of 4 stars). 3 submissions from 3 submitters: Pathogenic (2); Likely pathogenic (1). Last evaluated 2025-11-17.

Conditions:
Cardiovascular phenotype. Identifiers: MedGen CN230736.
Dilated cardiomyopathy 1G (CMD1G). Identifiers: Orphanet 154, MedGen C1858763, MONDO:0011400, OMIM 604145.
Autosomal recessive limb-girdle muscular dystrophy type 2J (LGMDR10). Also called: MUSCULAR DYSTROPHY, LIMB-GIRDLE, AUTOSOMAL RECESSIVE 10; Limb-girdle muscular dystrophy, type 2J. Identifiers: Orphanet 140922, MedGen C1837342, MONDO:0012127, OMIM 608807.

Submissions (3):

Labcorp Genetics (formerly Invitae), Labcorp
Classification: Likely pathogenic for Dilated cardiomyopathy 1G; Autosomal recessive limb-girdle muscular dystrophy type 2J. Last evaluated: 2025-11-17. Review status: criteria provided, single submitter. Criteria: Invitae Variant Classification Sherloc (09022015). Collection method: clinical testing. Allele origin: germline.
Comment: This sequence change creates a premature translational stop signal (p.Tyr28880*) in the TTN gene. While this is not anticipated to result in nonsense mediated decay, it is expected to create a truncated TTN protein. This variant is not present in population databases (gnomAD no frequency). This premature translational stop signal has been observed in individual(s) with clinical features of autosomal dominant TTN-related conditions (PMID: 30847666, 31112426, 31737537, 34315225). ClinVar contains an entry for this variant (Variation ID: 202421). This variant is located in the A band of TTN (PMID: 25589632). Truncating variants in this region are significantly overrepresented in patients affected with dilated cardiomyopathy (PMID: 25589632). Truncating variants in this region have also been reported in individuals affected with autosomal recessive centronuclear myopathy (PMID: 23975875). In summary, the currently available evidence indicates that the variant is pathogenic, but additional data are needed to prove that conclusively. Therefore, this variant has been classified as Likely Pathogenic.

Ambry Genetics
Classification: Pathogenic for Cardiovascular phenotype. Last evaluated: 2025-05-18. Review status: criteria provided, single submitter. Criteria: Ambry Variant Classification Scheme 2023. Collection method: clinical testing. Allele origin: germline.
Comment: The p.Y19815* pathogenic mutation (also known as c.59445C>G), located in coding exon 153 of the TTN gene, results from a C to G substitution at nucleotide position 59445. This changes the amino acid from a tyrosine to a stop codon within coding exon 153. This exon is located in the A-band region of the N2-B isoform of the titin protein and is constitutively expressed in TTN transcripts (percent spliced in or PSI 100%). This variant was reported in individual(s) with features consistent with dilated cardiomyopathy (DCM) (Ambry internal data). In addition, other variant(s) resulting in the same amino acid change (c.59445C>G p.Y19815, also described as c.78936C>A, p.Tyr26312* and c.86640C>G) have been identified in individual(s) with features consistent with DCM (van Lint FHM et al. Neth Heart J, 2019 Jun;27:304-309; Marschall C et al. Cardiovasc Diagn Ther, 2019 Oct;9:S292-S298; Enriquez A et al. Circ Arrhythm Electrophysiol, 2021 Sep;14:e010006). This variant is considered to be rare based on population cohorts in the Genome Aggregation Database (gnomAD). This variant is expected to result in loss of function by premature protein truncation or nonsense-mediated mRNA decay. While truncating variants in TTN are present in 1-3% of the general population, truncating variants in the A-band are the most common cause of dilated cardiomyopathy (Herman DS et al. N. Engl. J. Med., 2012 Feb;366:619-28; Roberts AM et al. Sci Transl Med, 2015 Jan;7:270ra6). TTN truncating variants encoded in constitutive exons (PSI >90%) have been found to be significantly associated with DCM regardless of their position in titin (Schafer S et al. Nat. Genet., 2017 01;49:46-53; Akhtar MM et al. Circ Heart Fail, 2020 Oct;13:e006832; Massier M et al. Clin Genet, 2025 Jan). Based on the supporting evidence, this variant is interpreted as a disease-causing mutation.

GeneDx
Classification: Pathogenic. Last evaluated: 2023-12-10. Review status: criteria provided, single submitter. Criteria: GeneDx Variant Classification Process June 2021. Collection method: clinical testing. Allele origin: germline. Affected: yes.
Comment: Has not been previously published as pathogenic or benign to our knowledge; Not observed at significant frequency in large population cohorts (gnomAD); Nonsense variant predicted to result in protein truncation or nonsense mediated decay in a gene for which loss of function is a known mechanism of disease; Located in the A-band region of TTN in which the majority of loss of function variants have been associated with autosomal dominant titinopathies (PMID: 22335739); This variant is associated with the following publications: (PMID: 22335739)

Literature cited by the submitters: PubMed 30847666 (cited by Labcorp Genetics (formerly Invitae), Labcorp and Ambry Genetics); PubMed 31112426 (cited by Labcorp Genetics (formerly Invitae), Labcorp); PubMed 31737537 (cited by Labcorp Genetics (formerly Invitae), Labcorp and Ambry Genetics); PubMed 34315225 (cited by Labcorp Genetics (formerly Invitae), Labcorp and Ambry Genetics); PubMed 25589632 (cited by Labcorp Genetics (formerly Invitae), Labcorp); PubMed 23975875 (cited by Labcorp Genetics (formerly Invitae), Labcorp).

NM_001267550.2(TTN):c.86640C>G (p.Tyr28880Ter)

Genes: TTN (titin; minus strand), TTN-AS1 (TTN antisense RNA 1; plus strand). Cytogenetic location: 2q31.2.
Variant type: single nucleotide variant.
Coding change: c.86640C>G on transcript NM_001267550.2 (MANE Select); coding-DNA position 86640, C replaced by G.
Protein change: p.Tyr28880Ter; replaces tyrosine 28880 with a stop codon.
Molecular consequence: nonsense.
Genome position (GRCh38, 1-based): chr2:178,559,492, G>C on the plus strand (C>G on the coding strand, the complement: TTN is on the minus strand). VCF-style: chr2-178559492-G-C. GRCh37 (hg19) VCF-style: chr2-179424219-G-C.
Other names: p.Y27239*:TAC>TAG; c.81717C>G, p.Tyr27239Ter (NM_001256850.1); c.59445C>G, p.Tyr19815Ter (NM_003319.4); c.78936C>G, p.Tyr26312Ter (NM_133378.4); c.59820C>G, p.Tyr19940Ter (NM_133432.3); c.60021C>G, p.Tyr20007Ter (NM_133437.4); short protein forms Y27239*, Y28880*, Y19815*, Y19940*, Y20007*, Y26312*.
Identifiers: ClinVar variation 202421 (VCV000202421.15), dbSNP rs794729298, ClinGen allele CA309358.